The following is an entry in ClinVar:

ClinVar aggregate classification (germline): Uncertain significance. Review status: criteria provided, multiple submitters, no conflicts (2 of 4 stars). 2 submissions from 2 submitters: Uncertain significance (2). Last evaluated 2025-09-25.

Allele frequency attached by ClinVar (database versions not stated): gnomAD 0.00002; TOPMed 0.00006; ExAC 0.00012.
gnomAD v4.1: 38 of 1,613,824 alleles (0.0024%); highest among the groups gnomAD compares: Admixed American, 0.05%; no homozygotes.

Submissions (2):

Ambry Genetics
Classification: Uncertain significance. Last evaluated: 2025-09-25. Review status: criteria provided, single submitter. Criteria: Ambry Variant Classification Scheme 2023. Collection method: clinical testing. Allele origin: germline.

Labcorp Genetics (formerly Invitae), Labcorp
Classification: Uncertain significance. Last evaluated: 2025-03-07. Review status: criteria provided, single submitter. Criteria: Invitae Variant Classification Sherloc (09022015). Collection method: clinical testing. Allele origin: germline.
Comment: This sequence change replaces valine, which is neutral and non-polar, with methionine, which is neutral and non-polar, at codon 159 of the ITSN2 protein (p.Val159Met). This variant is present in population databases (rs751739977, gnomAD 0.07%), and has an allele count higher than expected for a pathogenic variant. This variant has not been reported in the literature in individuals affected with ITSN2-related conditions. ClinVar contains an entry for this variant (Variation ID: 2074359). An algorithm developed to predict the effect of missense changes on protein structure and function (PolyPhen-2) suggests that this variant is likely to be disruptive. In summary, the available evidence is currently insufficient to determine the role of this variant in disease. Therefore, it has been classified as a Variant of Uncertain Significance.

NM_006277.3(ITSN2):c.475G>A (p.Val159Met)

Gene: ITSN2 (intersectin 2; minus strand). Cytogenetic location: 2p23.3.
Variant type: single nucleotide variant.
Coding change: c.475G>A on transcript NM_006277.3 (MANE Select); coding-DNA position 475, G replaced by A.
Protein change: p.Val159Met; replaces valine 159 with methionine.
Molecular consequence: missense variant.
Genome position (GRCh38, 1-based): chr2:24,310,570, C>T on the plus strand (G>A on the coding strand, the complement: ITSN2 is on the minus strand). VCF-style: chr2-24310570-C-T. GRCh37 (hg19) VCF-style: chr2-24533439-C-T.
Other names: c.475G>A (NM_006277.2); c.433G>A, p.Val145Met (NM_001348181.2, NM_001348184.2); c.475G>A, p.Val159Met (NM_001348182.2, NM_001348183.2, NM_001348185.2 and 3 more transcripts); short protein forms V159M, V145M.
Identifiers: ClinVar variation 2074359 (VCV002074359.6), dbSNP rs751739977, ClinGen allele CA1551763.